The following is an entry in ClinVar:

ClinVar aggregate classification (germline): Likely pathogenic (1 of 4 stars; one submission).

Conditions:
Hereditary pancreatitis (PCTT). Also called: Hereditary chronic pancreatitis; PRSS1-Related Hereditary Pancreatitis. Identifiers: Orphanet 676, MedGen C0238339, MONDO:0008185, OMIM 167800.

Allele frequency attached by ClinVar (database versions not stated): TOPMed below 0.00001.

Submission:

Ambry Genetics
Classification: Likely pathogenic for Hereditary pancreatitis. Last evaluated: 2017-03-07. Review status: criteria provided, single submitter. Criteria: Ambry Variant Classification Scheme 2023. Collection method: clinical testing. Allele origin: germline.
Comment: The c.627dupC variant, located in coding exon 6 of the CTRC gene, results from a duplication of C at nucleotide position 627, causing a translational frameshift. This frameshift is predicted to result in an extension of the protein; however, the position of the new (or alternate) stop codon (if it exists) is uncertain (p.S210Lfs*?). This alteration is expected to result in loss of function by non-stop mRNA decay or by disrupting a large portion of the trypsin-like serine protease domain in the CTRC protein. As such, this alteration is interpreted as a variant that is likely to be pathogenic.

NM_007272.3(CTRC):c.627dup (p.Ser210fs)

Gene: CTRC (chymotrypsin C; plus strand). Cytogenetic location: 1p36.21.
Variant type: Duplication.
Coding change: c.627dup on transcript NM_007272.3 (MANE Select); coding-DNA position 627, one base duplicated (C; older notation c.627dupC).
Protein change: p.Ser210fs; shifts the reading frame from serine 210.
Molecular consequence: frameshift variant.
Genome position (GRCh38, 1-based): chr1:15,444,739, C duplicated. VCF-style (leftmost placement, unchanged base first): chr1-15444738-T-TC. GRCh37 (hg19) VCF-style: chr1-15771233-T-TC.
Other names: short protein forms S210fs.
Identifiers: ClinVar variation 1752584 (VCV001752584.2), dbSNP rs1708190814, ClinGen allele CA1155327439.